The following is an entry in ClinVar:

ClinVar aggregate classification (germline): Likely pathogenic (1 of 4 stars; one submission).

Submission:

GeneDx
Classification: Likely pathogenic. Last evaluated: 2024-09-17. Review status: criteria provided, single submitter. Criteria: GeneDx Variant Classification Process June 2021. Collection method: clinical testing. Allele origin: germline. Affected: yes.
Comment: Frameshift variant predicted to result in protein truncation or nonsense mediated decay in a gene for which loss of function is a known mechanism of disease; Not observed at significant frequency in large population cohorts (gnomAD); This variant is associated with the following publications: (PMID: 31332306)

NM_002336.3(LRP6):c.3984_3987del (p.Asp1329fs)

Gene: LRP6 (LDL receptor related protein 6; minus strand). Cytogenetic location: 12p13.2.
Variant type: Deletion.
Coding change: c.3984_3987del on transcript NM_002336.3 (MANE Select); coding-DNA positions 3984 to 3987, 4 bases deleted (TGAT; older notation c.3984_3987delTGAT).
Protein change: p.Asp1329fs; shifts the reading frame from aspartic acid 1329.
Molecular consequence: frameshift variant. On other transcripts: non-coding transcript variant (1).
Genome position (GRCh38, 1-based): chr12:12,130,877-12,130,880, ATCA deleted on the plus strand (TGAT on the coding strand, the reverse complement: LRP6 is on the minus strand); deleting any 4 consecutive bases within chr12:12,130,877-12,130,882 gives the same sequence; the c. name uses the placement nearest the transcript's 3' end. VCF-style (leftmost placement, unchanged base first): chr12-12130876-GATCA-G. GRCh37 (hg19) VCF-style: chr12-12283810-GATCA-G.
Other names: c.4077_4080del, p.Asp1360fs (NM_001414244.1); c.3984_3987del, p.Asp1329fs (NM_001414245.1, NM_001414248.1, NM_001414249.1 and 1 more transcripts); c.3849_3852del, p.Asp1284fs (NM_001414246.1); c.3786_3789del, p.Asp1263fs (NM_001414247.1); c.3621_3624del, p.Asp1208fs (NM_001414251.1); c.3531_3534del, p.Asp1178fs (NM_001414252.1, NM_001414253.1, NM_001414254.1); c.3477_3480del, p.Asp1160fs (NM_001414255.1); short protein forms D1160fs, D1178fs, D1208fs, D1263fs, D1284fs, D1329fs, D1360fs.
Identifiers: ClinVar variation 3773951 (VCV003773951.1).